The following is an entry in ClinVar:

ClinVar aggregate classification (germline): Conflicting classifications of pathogenicity. Review status: criteria provided, conflicting classifications (1 of 4 stars). 4 submissions from 4 submitters: Uncertain significance (3); Likely benign (1). Last evaluated 2025-08-12.

Conditions:
Inborn genetic diseases. Identifiers: MedGen C0950123, MeSH D030342.

Allele frequency attached by ClinVar (database versions not stated): gnomAD 0.00003 and 0.00004; gnomAD exomes 0.00003 and 0.00007; ExAC 0.00004; TOPMed 0.00005.
gnomAD v4.1: 102 of 1,604,796 alleles (0.0064%); highest among the groups gnomAD compares: Non-Finnish European, 0.0084%; no homozygotes.

Submissions (4):

Labcorp Genetics (formerly Invitae), Labcorp
Classification: Uncertain significance. Last evaluated: 2025-08-12. Review status: criteria provided, single submitter. Criteria: Invitae Variant Classification Sherloc (09022015). Collection method: clinical testing. Allele origin: germline.
Comment: This sequence change replaces leucine, which is neutral and non-polar, with histidine, which is basic and polar, at codon 695 of the TTBK2 protein (p.Leu695His). This variant is present in population databases (rs747277579, gnomAD 0.006%). This variant has not been reported in the literature in individuals affected with TTBK2-related conditions. ClinVar contains an entry for this variant (Variation ID: 1307921). Invitae Evidence Modeling of protein sequence and biophysical properties (such as structural, functional, and spatial information, amino acid conservation, physicochemical variation, residue mobility, and thermodynamic stability) indicates that this missense variant is not expected to disrupt TTBK2 protein function with a negative predictive value of 80%. In summary, the available evidence is currently insufficient to determine the role of this variant in disease. Therefore, it has been classified as a Variant of Uncertain Significance.

CeGaT Center for Human Genetics Tuebingen
Classification: Likely benign. Last evaluated: 2025-08-01. Review status: criteria provided, single submitter. Criteria: CeGaT Center For Human Genetics Tuebingen Variant Classification Criteria Version 2. Collection method: clinical testing. Allele origin: germline. Affected: yes. Observed: 1 variant allele.
Comment: TTBK2: BP4

Ambry Genetics
Classification: Uncertain significance for Inborn genetic diseases. Last evaluated: 2025-04-10. Review status: criteria provided, single submitter. Criteria: Ambry Variant Classification Scheme 2023. Collection method: clinical testing. Allele origin: germline.

GeneDx
Classification: Uncertain significance. Last evaluated: 2019-09-13. Review status: criteria provided, single submitter. Criteria: GeneDx Variant Classification Process June 2021. Collection method: clinical testing. Allele origin: germline. Affected: yes.
Comment: Has not been previously published as pathogenic or benign to our knowledge; In silico analysis, which includes protein predictors and evolutionary conservation, supports that this variant does not alter protein structure/function

NM_173500.4(TTBK2):c.2084T>A (p.Leu695His)

Gene: TTBK2 (tau tubulin kinase 2; minus strand). Cytogenetic location: 15q15.2.
Variant type: single nucleotide variant.
Coding change: c.2084T>A on transcript NM_173500.4 (MANE Select); coding-DNA position 2084, T replaced by A.
Protein change: p.Leu695His; replaces leucine 695 with histidine.
Molecular consequence: missense variant.
Genome position (GRCh38, 1-based): chr15:42,753,162, A>T on the plus strand (T>A on the coding strand, the complement: TTBK2 is on the minus strand). VCF-style: chr15-42753162-A-T. GRCh37 (hg19) VCF-style: chr15-43045360-A-T.
Other names: short protein forms L695H.
Identifiers: ClinVar variation 1307921 (VCV001307921.16), dbSNP rs747277579, ClinGen allele CA7516782.
Genomic context (GRCh38, chr15:42,753,162, plus strand): 5'-ACCAAGCCAGAGAAGTTTTCCCTTGGAGAGTAAAGTTCCACAGTGGGCTCCATGGGCTGA[A>T]GATCTTTCTTCTCTGGCTGCTGACCACAGTGAAAGCTTCCTGAAGTTGACTGTGTAGATG-3'
Protein context (NP_775771.3, residues 685-705): HCGQQPEKKD[Leu695His]QPMEPTVELY